The following is an entry in ClinVar:

ClinVar aggregate classification (germline): Likely pathogenic (1 of 4 stars; one submission).

Submission:

GeneDx
Classification: Likely pathogenic. Last evaluated: 2024-04-25. Review status: criteria provided, single submitter. Criteria: GeneDx Variant Classification Process June 2021. Collection method: clinical testing. Allele origin: germline. Affected: yes.
Comment: Not observed at significant frequency in large population cohorts (gnomAD); In silico analysis supports that this missense variant has a deleterious effect on protein structure/function; Has not been previously published as pathogenic or benign to our knowledge

NM_006186.4(NR4A2):c.1021C>G (p.Arg341Gly)

Gene: NR4A2 (nuclear receptor subfamily 4 group A member 2; minus strand). Cytogenetic location: 2q24.1.
Variant type: single nucleotide variant.
Coding change: c.1021C>G on transcript NM_006186.4 (MANE Select); coding-DNA position 1021, C replaced by G.
Protein change: p.Arg341Gly; replaces arginine 341 with glycine.
Molecular consequence: missense variant.
Genome position (GRCh38, 1-based): chr2:156,327,988, G>C on the plus strand (C>G on the coding strand, the complement: NR4A2 is on the minus strand). VCF-style: chr2-156327988-G-C. GRCh37 (hg19) VCF-style: chr2-157184500-G-C.
Other names: c.832C>G, p.Arg278Gly (NM_173173.3); short protein forms R278G, R341G.
Identifiers: ClinVar variation 3253459 (VCV003253459.1), dbSNP rs2105602706.